The following is an entry in ClinVar:

ClinVar aggregate classification (germline): Uncertain significance (1 of 4 stars; one submission).

Conditions:
Hereditary breast ovarian cancer syndrome. Also called: Hereditary breast and ovarian cancer syndrome (HBOC); Hereditary breast and ovarian cancer; Breast and ovarian cancer; Hereditary breast and/or ovarian cancer syndrome; BRCA1- and BRCA2-Associated Hereditary Breast and Ovarian Cancer; Hereditary breast and ovarian cancer syndrome. Identifiers: Orphanet 145, MedGen C0677776, MeSH D061325, MONDO:0003582. Disease mechanism: loss of function.

Submission:

Labcorp Genetics (formerly Invitae), Labcorp
Classification: Uncertain significance for Hereditary breast ovarian cancer syndrome. Last evaluated: 2025-07-13. Review status: criteria provided, single submitter. Criteria: Invitae Variant Classification Sherloc (09022015). Collection method: clinical testing. Allele origin: germline.
Comment: This sequence change replaces phenylalanine, which is neutral and non-polar, with cysteine, which is neutral and slightly polar, at codon 486 of the BRCA1 protein (p.Phe486Cys). This variant is not present in population databases (gnomAD no frequency). This variant has not been reported in the literature in individuals affected with BRCA1-related conditions. Invitae Evidence Modeling of protein sequence and biophysical properties (such as structural, functional, and spatial information, amino acid conservation, physicochemical variation, residue mobility, and thermodynamic stability) indicates that this missense variant is not expected to disrupt BRCA1 protein function with a negative predictive value of 80%. In summary, the available evidence is currently insufficient to determine the role of this variant in disease. Therefore, it has been classified as a Variant of Uncertain Significance.

NM_007294.4(BRCA1):c.1457T>G (p.Phe486Cys)

Gene: BRCA1 (BRCA1 DNA repair associated; minus strand). Cytogenetic location: 17q21.31.
Variant type: single nucleotide variant.
Coding change: c.1457T>G on transcript NM_007294.4 (MANE Select); coding-DNA position 1457, T replaced by G.
Protein change: p.Phe486Cys; replaces phenylalanine 486 with cysteine.
Molecular consequence: missense variant. On other transcripts: intron variant (137).
Genome position (GRCh38, 1-based): chr17:43,094,074, A>C on the plus strand (T>G on the coding strand, the complement: BRCA1 is on the minus strand). VCF-style: chr17-43094074-A-C. GRCh37 (hg19) VCF-style: chr17-41246091-A-C.
Other names: c.1457T>G, p.Phe486Cys (NM_001407594.1, NM_001407596.1, NM_001407597.1 and 30 more transcripts); c.1454T>G, p.Phe485Cys (NM_001407610.1, NM_001407611.1, NM_001407612.1 and 22 more transcripts); c.1448T>G, p.Phe483Cys (NM_001407646.1, NM_001407647.1); c.1334T>G, p.Phe445Cys (NM_001407648.1, NM_001407664.1, NM_001407665.1 and 19 more transcripts); c.1331T>G, p.Phe444Cys (NM_001407649.1, NM_001407670.1, NM_001407671.1 and 11 more transcripts); c.1379T>G, p.Phe460Cys (NM_001407653.1, NM_001407654.1, NM_001407655.1 and 4 more transcripts); c.1376T>G, p.Phe459Cys (NM_001407659.1, NM_001407660.1, NM_001407661.1 and 1 more transcripts); c.1316T>G, p.Phe439Cys (NM_001407692.1, NM_001407694.1, NM_001407695.1 and 29 more transcripts); and 40 more; short protein forms F190C, F318C, F358C, F359C, F374C, F375C, F397C, F398C.
Identifiers: ClinVar variation 4800859 (VCV004800859.1).
Genomic context (GRCh38, chr17:43,094,074, plus strand): 5'-CTTTTACGCTTTAATTTATTTGTGAGGGGACGCTCTTGTATTATCTGTGGCTCAGTAACA[A>C]ATGCTCCTATAATTAGATTTTCAGTTACATGGCTTAAGTTGGGGAGGCTTGCCTTCTTCC-3'
Protein context (NP_009225.1, residues 476-496): HVTENLIIGA[Phe486Cys]VTEPQIIQER